The following is an entry in ClinVar:

NM_001100913.3(PACS2):c.1518+6G>A

Gene: PACS2 (phosphofurin acidic cluster sorting protein 2; plus strand). Cytogenetic location: 14q32.33.
Variant type: single nucleotide variant.
Coding change: c.1518+6G>A on transcript NM_001100913.3 (MANE Select); 6 bases into the intron after coding-DNA position 1518, G replaced by A.
Molecular consequence: intron variant.
Genome position (GRCh38, 1-based): chr14:105,382,587, G>A. VCF-style: chr14-105382587-G-A. GRCh37 (hg19) VCF-style: chr14-105848924-G-A.
Other names: c.1281+6G>A (NM_001243127.3); c.1506+6G>A (NM_015197.4).
Identifiers: ClinVar variation 1624834 (VCV001624834.30), dbSNP rs370156226, ClinGen allele CA7388837.

ClinVar aggregate classification (germline): Benign/Likely benign. Review status: criteria provided, multiple submitters, no conflicts (2 of 4 stars). 3 submissions from 3 submitters: Benign (1); Likely benign (2). Last evaluated 2026-01-26.

Allele frequency attached by ClinVar (database versions not stated): gnomAD 0.00002; ExAC 0.00003; TOPMed 0.00004; ESP Exome Variant Server 0.00008.
gnomAD v4.1: 104 of 1,563,912 alleles (0.0066%); highest among the groups gnomAD compares: Non-Finnish European, 0.0084%; no homozygotes.

Submissions (3):

Labcorp Genetics (formerly Invitae), Labcorp
Classification: Benign. Last evaluated: 2026-01-26. Review status: criteria provided, single submitter. Criteria: Invitae Variant Classification Sherloc (09022015). Collection method: clinical testing. Allele origin: germline.

CeGaT Center for Human Genetics Tuebingen
Classification: Likely benign. Last evaluated: 2025-05-01. Review status: criteria provided, single submitter. Criteria: CeGaT Center For Human Genetics Tuebingen Variant Classification Criteria Version 2. Collection method: clinical testing. Allele origin: germline. Affected: yes. Observed: 2 variant alleles.
Comment: PACS2: BP4

Blueprint Genetics
Classification: Likely benign. Last evaluated: 2023-07-27. Review status: criteria provided, single submitter. Criteria: ACMG Guidelines, 2015. Collection method: clinical testing. Allele origin: germline.